The following is an entry in ClinVar:

NM_002900.3(RBP3):c.2763C>A (p.Ser921Arg)

Gene: RBP3 (retinol binding protein 3; plus strand). Cytogenetic location: 10q11.22.
Variant type: single nucleotide variant.
Coding change: c.2763C>A on transcript NM_002900.3 (MANE Select); coding-DNA position 2763, C replaced by A.
Protein change: p.Ser921Arg; replaces serine 921 with arginine.
Molecular consequence: missense variant.
Genome position (GRCh38, 1-based): chr10:47,351,247, C>A. VCF-style: chr10-47351247-C-A. GRCh37 (hg19) VCF-style: chr10-48388115-G-T.
Other names: short protein forms S921R.
Identifiers: ClinVar variation 208321 (VCV000208321.10), dbSNP rs548622709, ClinGen allele CA351003.

ClinVar aggregate classification (germline): Uncertain significance. Review status: criteria provided, multiple submitters, no conflicts (2 of 4 stars). 3 submissions from 3 submitters: Uncertain significance (2). 1 of the submissions does not count toward it. Last evaluated 2024-09-18.

Conditions:
Retinitis pigmentosa 66 (RP66). Identifiers: Orphanet 791, MedGen C3715216, MONDO:0014093, OMIM 615233.

Allele frequency attached by ClinVar (database versions not stated): TOPMed 0.00010.
gnomAD v4.1: 124 of 1,613,242 alleles (0.0077%); highest among the groups gnomAD compares: Non-Finnish European, 0.0096%; no homozygotes.

Submissions (3):

Blueprint Genetics
Classification: Uncertain significance. Last evaluated: 2024-09-18. Review status: criteria provided, single submitter. Criteria: ACMG Guidelines, 2015. Collection method: clinical testing. Allele origin: germline.

Labcorp Genetics (formerly Invitae), Labcorp
Classification: Uncertain significance. Last evaluated: 2023-07-03. Review status: criteria provided, single submitter. Criteria: Invitae Variant Classification Sherloc (09022015). Collection method: clinical testing. Allele origin: germline.
Comment: This sequence change replaces serine, which is neutral and polar, with arginine, which is basic and polar, at codon 921 of the RBP3 protein (p.Ser921Arg). This variant is present in population databases (rs548622709, gnomAD 0.006%). In summary, the available evidence is currently insufficient to determine the role of this variant in disease. Therefore, it has been classified as a Variant of Uncertain Significance. An algorithm developed to predict the effect of missense changes on protein structure and function (PolyPhen-2) suggests that this variant is likely to be disruptive. ClinVar contains an entry for this variant (Variation ID: 208321). This missense change has been observed in individual(s) with retinitis pigmentosa (PMID: 19074801).

ClinVar Staff, National Center for Biotechnology Information (NCBI)
Classification: Uncertain significance for Retinitis pigmentosa 66. Last evaluated: 2013-06-27. Review status: no assertion criteria provided. Collection method: literature only. Allele origin: germline. Affected: yes. Not counted in ClinVar's aggregate classification.

Literature cited by the submitters: PubMed 19074801 (cited by Labcorp Genetics (formerly Invitae), Labcorp and ClinVar Staff, National Center for Biotechnology Information (NCBI)).